The following is an entry in ClinVar:

NM_152641.4(ARID2):c.2731G>C (p.Val911Leu)

Gene: ARID2 (AT-rich interaction domain 2; plus strand). Cytogenetic location: 12q12.
Variant type: single nucleotide variant.
Coding change: c.2731G>C on transcript NM_152641.4 (MANE Select); coding-DNA position 2731, G replaced by C.
Protein change: p.Val911Leu; replaces valine 911 with leucine.
Molecular consequence: missense variant.
Genome position (GRCh38, 1-based): chr12:45,850,854, G>C. VCF-style: chr12-45850854-G-C. GRCh37 (hg19) VCF-style: chr12-46244637-G-C.
Other names: c.2731G>C, p.Val911Leu (NM_001347839.2); short protein forms V911L.
Identifiers: ClinVar variation 3376236 (VCV003376236.1).

ClinVar aggregate classification (germline): Uncertain significance (1 of 4 stars; one submission).

Conditions:
Coffin-Siris syndrome 6. Identifiers: MedGen C4540499, MONDO:0033492, OMIM 617808.

gnomAD v4.1: 2 of 1,614,056 alleles (0.00012%); highest among the groups gnomAD compares: Non-Finnish European, 0.00017%; no homozygotes.

Submission:

Pittsburgh Clinical Genomics Laboratory, University of Pittsburgh Medical Center
Classification: Uncertain significance for Coffin-Siris syndrome 6. Last evaluated: 2022-02-25. Review status: criteria provided, single submitter. Criteria: ACMG Guidelines, 2015. Collection method: clinical testing. Allele origin: germline. Inheritance: Autosomal dominant inheritance. Affected: yes.
Comment: This sequence variant is a single nucleotide substitution (G>C) which results in a valine to leucine amino acid change at residue 911 in the ARID2 protein. This is novel variant which has not been reported in clinical genetics databases or observed in the medical literature in individuals with ARID2-related disease, to our knowledge. This variant is absent from the gnomAD control population dataset (0/~251000 alleles). Multiple bioinformatic tools predict that this variant is likely to be damaging, and the Val911 residue is highly conserved in mammals. Functiol studies assessing the effect of this variant on protein structure or activity have not been performed, to our knowledge. At this time, there is insufficient evidence to determine if this variant is pathogenic or benign. Therefore, we consider it to be a variant of uncertain significance. ACMG Criteria: PM2, PP3